The following is an entry in ClinVar:

ClinVar aggregate classification (germline): Uncertain significance (1 of 4 stars; one submission).

Conditions:
Hereditary cancer-predisposing syndrome. Also called: Neoplastic Syndromes, Hereditary; Tumor predisposition; Hereditary Cancer Syndrome; Hereditary neoplastic syndrome. Identifiers: Orphanet 140162, MedGen C0027672, MeSH D009386, MONDO:0015356.

Submission:

Ambry Genetics
Classification: Uncertain significance for Hereditary cancer-predisposing syndrome. Last evaluated: 2026-04-27. Review status: criteria provided, single submitter. Criteria: Ambry Variant Classification Scheme 2023. Collection method: clinical testing. Allele origin: germline.
Comment: The p.P304L variant (also known as c.911C>T), located in coding exon 5 of the SMARCA4 gene, results from a C to T substitution at nucleotide position 911. The proline at codon 304 is replaced by leucine, an amino acid with similar properties. This amino acid position is well conserved in available vertebrate species. In addition, the in silico prediction for this alteration is inconclusive. Based on the available evidence, the clinical significance of this variant remains unclear.

NM_003072.5(SMARCA4):c.911C>T (p.Pro304Leu)

Gene: SMARCA4 (SWI/SNF related BAF chromatin remodeling complex subunit ATPase 4; plus strand). Cytogenetic location: 19p13.2.
Variant type: single nucleotide variant.
Coding change: c.911C>T on transcript NM_003072.5 (MANE Select); coding-DNA position 911, C replaced by T.
Protein change: p.Pro304Leu; replaces proline 304 with leucine.
Molecular consequence: missense variant. On other transcripts: non-coding transcript variant (1).
Genome position (GRCh38, 1-based): chr19:10,987,717, C>T. VCF-style: chr19-10987717-C-T. GRCh37 (hg19) VCF-style: chr19-11098393-C-T.
Other names: c.911C>T, p.Pro304Leu (NM_001128846.2, NM_001128847.4, NM_001128848.2 and 6 more transcripts); short protein forms P304L.
Identifiers: ClinVar variation 4864767 (VCV004864767.1).